The following is an entry in ClinVar:

NM_000444.6(PHEX):c.578del (p.Thr193fs)

Gene: PHEX (phosphate regulating endopeptidase X-linked; plus strand). Cytogenetic location: Xp22.11.
Variant type: Deletion.
Coding change: c.578del on transcript NM_000444.6 (MANE Select); coding-DNA position 578, one base deleted (C; older notation c.578delC).
Protein change: p.Thr193fs; shifts the reading frame from threonine 193.
Molecular consequence: frameshift variant.
Genome position (GRCh38, 1-based): chrX:22,077,617, C deleted. VCF-style (leftmost placement, unchanged base first): chrX-22077616-AC-A. GRCh37 (hg19) VCF-style: chrX-22095734-AC-A.
Other names: c.578del, p.Thr193fs (NM_001282754.2); short protein forms T193fs.
Identifiers: ClinVar variation 2705366 (VCV002705366.3), dbSNP rs2519754370, ClinGen allele CA2697552896.

ClinVar aggregate classification (germline): Pathogenic (1 of 4 stars; one submission).

Submission:

Labcorp Genetics (formerly Invitae), Labcorp
Classification: Pathogenic. Last evaluated: 2023-12-25. Review status: criteria provided, single submitter. Criteria: Invitae Variant Classification Sherloc (09022015). Collection method: clinical testing. Allele origin: germline.
Comment: This sequence change creates a premature translational stop signal (p.Thr193Serfs*28) in the PHEX gene. It is expected to result in an absent or disrupted protein product. Loss-of-function variants in PHEX are known to be pathogenic (PMID: 9097956, 9106524, 19219621). This variant is not present in population databases (gnomAD no frequency). This variant has not been reported in the literature in individuals affected with PHEX-related conditions. For these reasons, this variant has been classified as Pathogenic.

Literature cited by the submitters: PubMed 9097956; PubMed 9106524; PubMed 19219621.